The following is an entry in ClinVar:

NM_001283009.2(RTEL1):c.2413+4C>T

Genes: RTEL1 (regulator of telomere elongation helicase 1; plus strand), RTEL1-TNFRSF6B (RTEL1-TNFRSF6B readthrough (NMD candidate); plus strand). Cytogenetic location: 20q13.33.
Variant type: single nucleotide variant.
Coding change: c.2413+4C>T on transcript NM_001283009.2 (MANE Select); 4 bases into the intron after coding-DNA position 2413, C replaced by T.
Molecular consequence: intron variant.
Genome position (GRCh38, 1-based): chr20:63,690,445, C>T. VCF-style: chr20-63690445-C-T. GRCh37 (hg19) VCF-style: chr20-62321798-C-T.
Other names: c.2485+4C>T (NM_032957.4, NM_032957.5); c.1744+4C>T (NM_001283010.1); c.2413+4C>T (NM_016434.4).
Identifiers: ClinVar variation 971994 (VCV000971994.7), dbSNP rs761756257, ClinGen allele CA9965315.
Genomic context (GRCh38, chr20:63,690,445, plus strand): 5'-CCAGGAAAGCTAAGAGTCTGGACCTGCATGTCCCCAGCCTGAAGCAGAGGTCCTCAGGTG[C>T]GGACGGGCAGCGCTGGGTGGGCGGTGTGGGGGTGGCGGAGCGGGCGGCGTGGGGCGGGCA-3'

ClinVar aggregate classification (germline): Uncertain significance. Review status: criteria provided, single submitter (1 of 4 stars). 3 submissions from 3 submitters: Uncertain significance (1). 2 of the submissions do not count toward it. Last evaluated 2026-01-13.

Conditions:
Dyskeratosis congenita. Identifiers: Orphanet 1775, MedGen C0265965, MONDO:0015780.
RTEL1-related disorder. Also called: RTEL1-related disorders; RTEL1-related condition.
Dyskeratosis congenita, autosomal recessive 5 (DKCB5). Identifiers: MedGen C3554656, MONDO:0014076, OMIM 615190.
Pulmonary fibrosis and/or bone marrow failure, Telomere-related, 3. Also called: PULMONARY FIBROSIS AND/OR BONE MARROW FAILURE SYNDROME, TELOMERE-RELATED, 3. Identifiers: Orphanet 2032, MedGen C4225346, MONDO:0014613, OMIM 616373.

Allele frequency attached by ClinVar (database versions not stated): TOPMed 0.00021; gnomAD 0.00009 and 0.00010.
gnomAD v4.1: 141 of 1,239,986 alleles (0.011%); highest among the groups gnomAD compares: Admixed American, 0.023%; 1 homozygote.

Submissions (3):

Labcorp Genetics (formerly Invitae), Labcorp
Classification: Uncertain significance for Dyskeratosis congenita, autosomal recessive 5; Pulmonary fibrosis and/or bone marrow failure, Telomere-related, 3. Last evaluated: 2026-01-13. Review status: criteria provided, single submitter. Criteria: Invitae Variant Classification Sherloc (09022015). Collection method: clinical testing. Allele origin: germline.
Comment: This sequence change falls in intron 26 of the RTEL1 gene. It does not directly change the encoded amino acid sequence of the RTEL1 protein. It affects a nucleotide within the consensus splice site. This variant is present in population databases (rs761756257, gnomAD 0.02%). This variant has not been reported in the literature in individuals affected with RTEL1-related conditions. This variant is also known as NM_032957.4:c.2485+4C>T. ClinVar contains an entry for this variant (Variation ID: 971994). Variants that disrupt the consensus splice site are a relatively common cause of aberrant splicing (PMID: 17576681, 9536098). Algorithms developed to predict the effect of sequence changes on RNA splicing suggest that this variant is not likely to affect RNA splicing. In summary, the available evidence is currently insufficient to determine the role of this variant in disease. Therefore, it has been classified as a Variant of Uncertain Significance.

PreventionGenetics, part of Exact Sciences
Classification: Likely benign for RTEL1-related condition. Last evaluated: 2024-08-30. Review status: no assertion criteria provided. Collection method: clinical testing. Allele origin: germline. Not counted in ClinVar's aggregate classification.
Comment: This variant is classified as likely benign based on ACMG/AMP sequence variant interpretation guidelines (Richards et al. 2015 PMID: 25741868, with internal and published modifications).

Natera, Inc.
Classification: Uncertain significance for Dyskeratosis congenita. Last evaluated: 2020-01-24. Review status: no assertion criteria provided. Collection method: clinical testing. Allele origin: germline. Not counted in ClinVar's aggregate classification.

Literature cited by the submitters: PubMed 17576681 (cited by Labcorp Genetics (formerly Invitae), Labcorp); PubMed 9536098 (cited by Labcorp Genetics (formerly Invitae), Labcorp).